The following is an entry in ClinVar:

NM_025074.7(FRAS1):c.380C>G (p.Pro127Arg)

Gene: FRAS1 (Fraser extracellular matrix complex subunit 1; plus strand). Cytogenetic location: 4q21.21.
Variant type: single nucleotide variant.
Coding change: c.380C>G on transcript NM_025074.7 (MANE Select); coding-DNA position 380, C replaced by G.
Protein change: p.Pro127Arg; replaces proline 127 with arginine.
Molecular consequence: missense variant.
Genome position (GRCh38, 1-based): chr4:78,252,462, C>G. VCF-style: chr4-78252462-C-G. GRCh37 (hg19) VCF-style: chr4-79173616-C-G.
Other names: c.380C>G, p.Pro127Arg (NM_001166133.2); short protein forms P127R.
Identifiers: ClinVar variation 349657 (VCV000349657.34), dbSNP rs147709711, ClinGen allele CA2975924.

ClinVar aggregate classification (germline): Benign. Review status: criteria provided, multiple submitters, no conflicts (2 of 4 stars). 6 submissions from 6 submitters: Benign (4). 2 of the submissions do not count toward it. Last evaluated 2026-07-01.

Conditions:
Fraser syndrome 1 (FRASRS1). Also called: CRYPTOPHTHALMOS WITH OTHER MALFORMATIONS. Identifiers: Orphanet 2052, MedGen C4551480, MONDO:0054737, OMIM 219000.

Allele frequency attached by ClinVar (database versions not stated): 1000 Genomes Project 0.00439; 1000 Genomes Project 30x 0.00453; TOPMed 0.01109; ESP Exome Variant Server 0.01626.
gnomAD v4.1: 28,320 of 1,613,702 alleles (1.8%); highest among the groups gnomAD compares: Non-Finnish European, 2.2%; 315 homozygotes.

Submissions (6):

CeGaT Center for Human Genetics Tuebingen
Classification: Benign. Last evaluated: 2026-07-01. Review status: criteria provided, single submitter. Criteria: CeGaT Center For Human Genetics Tuebingen Variant Classification Criteria Version 2. Collection method: clinical testing. Allele origin: germline. Affected: yes. Observed: 10 variant alleles.
Comment: FRAS1: BP4, BS1, BS2

Labcorp Genetics (formerly Invitae), Labcorp
Classification: Benign. Last evaluated: 2026-02-04. Review status: criteria provided, single submitter. Criteria: Invitae Variant Classification Sherloc (09022015). Collection method: clinical testing. Allele origin: germline.

Illumina Laboratory Services, Illumina
Classification: Benign for Fraser syndrome 1. Last evaluated: 2018-01-13. Review status: criteria provided, single submitter. Criteria: ICSL Variant Classification Criteria 13 December 2019. Collection method: clinical testing. Allele origin: germline.
Comment: This variant was observed in the ICSL laboratory as part of a predisposition screen in an ostensibly healthy population. It had not been previously curated by ICSL or reported in the Human Gene Mutation Database (HGMD: prior to June 1st, 2018), and was therefore a candidate for classification through an automated scoring system. Utilizing variant allele frequency, disease prevalence and penetrance estimates, and inheritance mode, an automated score was calculated to assess if this variant is too frequent to cause the disease. Based on the score and internal cut-off values, a variant classified as benign is not then subjected to further curation. The score for this variant resulted in a classification of benign for this disease.

Breakthrough Genomics
Classification: Benign. Review status: criteria provided, single submitter. Criteria: ACMG Guidelines, 2015. Collection method: not provided. Allele origin: germline. Inheritance: Autosomal recessive inheritance. Affected: yes.

Clinical Genetics DNA and cytogenetics Diagnostics Lab, Erasmus MC, Erasmus Medical Center
Classification: Benign. Review status: no assertion criteria provided. Collection method: clinical testing. Allele origin: germline. Affected: yes. Study: VKGL Data-share Consensus. Not counted in ClinVar's aggregate classification.

Genome Diagnostics Laboratory, University Medical Center Utrecht
Classification: Benign. Review status: no assertion criteria provided. Collection method: clinical testing. Allele origin: germline. Affected: yes. Study: VKGL Data-share Consensus. Not counted in ClinVar's aggregate classification.